The following is an entry in ClinVar:

ClinVar aggregate classification (germline): Uncertain significance (1 of 4 stars; one submission).

Conditions:
Hereditary cancer-predisposing syndrome. Also called: Hereditary Cancer Syndrome; Tumor predisposition; Hereditary neoplastic syndrome; Neoplastic Syndromes, Hereditary. Identifiers: Orphanet 140162, MedGen C0027672, MeSH D009386, MONDO:0015356.

Submission:

Ambry Genetics
Classification: Uncertain significance for Hereditary cancer-predisposing syndrome. Last evaluated: 2024-06-11. Review status: criteria provided, single submitter. Criteria: Ambry Variant Classification Scheme 2023. Collection method: clinical testing. Allele origin: germline.
Comment: The p.W253R variant (also known as c.757T>C), located in coding exon 7 of the BMPR1A gene, results from a T to C substitution at nucleotide position 757. The tryptophan at codon 253 is replaced by arginine, an amino acid with dissimilar properties. This amino acid position is conserved. In addition, this alteration is predicted to be deleterious by in silico analysis. Based on the available evidence, the clinical significance of this variant remains unclear.

NM_004329.3(BMPR1A):c.757T>C (p.Trp253Arg)

Gene: BMPR1A (bone morphogenetic protein receptor type 1A; plus strand). Cytogenetic location: 10q23.2.
Variant type: single nucleotide variant.
Coding change: c.757T>C on transcript NM_004329.3 (MANE Select); coding-DNA position 757, T replaced by C.
Protein change: p.Trp253Arg; replaces tryptophan 253 with arginine.
Molecular consequence: missense variant. On other transcripts: non-coding transcript variant (3).
Genome position (GRCh38, 1-based): chr10:86,917,215, T>C. VCF-style: chr10-86917215-T-C. GRCh37 (hg19) VCF-style: chr10-88676972-T-C.
Other names: c.832T>C, p.Trp278Arg (NM_001406559.1); c.805T>C, p.Trp269Arg (NM_001406560.1); c.757T>C, p.Trp253Arg (NM_001406561.1, NM_001406562.1, NM_001406563.1 and 19 more transcripts); c.751T>C, p.Trp251Arg (NM_001406583.1); c.673T>C, p.Trp225Arg (NM_001406584.1, NM_001406585.1, NM_001406586.1 and 2 more transcripts); c.415T>C, p.Trp139Arg (NM_001406589.1); short protein forms W139R, W251R, W278R, W269R, W225R, W253R.
Identifiers: ClinVar variation 3261232 (VCV003261232.1).